The following is an entry in ClinVar:

ClinVar aggregate classification (germline): Uncertain significance. Review status: criteria provided, multiple submitters, no conflicts (2 of 4 stars). 2 submissions from 2 submitters: Uncertain significance (2). Last evaluated 2025-02-24.

Allele frequency attached by ClinVar (database versions not stated): gnomAD 0.00001; gnomAD exomes 0.00001; 1000 Genomes Project 30x 0.00016.
gnomAD v4.1: 18 of 1,550,202 alleles (0.0012%); highest among the groups gnomAD compares: Middle Eastern, 0.017%; no homozygotes.

Submissions (2):

GeneDx
Classification: Uncertain significance. Last evaluated: 2025-02-24. Review status: criteria provided, single submitter. Criteria: GeneDx Variant Classification Process June 2021. Collection method: clinical testing. Allele origin: germline. Affected: yes.
Comment: Not observed at significant frequency in large population cohorts (gnomAD); In silico analysis indicates that this missense variant does not alter protein structure/function; Has not been previously published as pathogenic or benign to our knowledge

CeGaT Center for Human Genetics Tuebingen
Classification: Uncertain significance. Last evaluated: 2024-01-01. Review status: criteria provided, single submitter. Criteria: CeGaT Center For Human Genetics Tuebingen Variant Classification Criteria Version 2. Collection method: clinical testing. Allele origin: germline. Affected: yes. Observed: 1 variant allele.
Comment: OTOG: PM2, BP4

NM_001292063.2(OTOG):c.5284T>A (p.Ser1762Thr)

Gene: OTOG (otogelin; plus strand). Cytogenetic location: 11p15.1.
Variant type: single nucleotide variant.
Coding change: c.5284T>A on transcript NM_001292063.2 (MANE Select); coding-DNA position 5284, T replaced by A.
Protein change: p.Ser1762Thr; replaces serine 1762 with threonine.
Molecular consequence: missense variant.
Genome position (GRCh38, 1-based): chr11:17,610,584, T>A. VCF-style: chr11-17610584-T-A. GRCh37 (hg19) VCF-style: chr11-17632131-T-A.
Other names: c.5320T>A (NM_001277269.1); c.5320T>A, p.Ser1774Thr (NM_001277269.2); short protein forms S1762T, S1774T.
Identifiers: ClinVar variation 3025611 (VCV003025611.23), dbSNP rs1291311499, ClinGen allele CA379799047.
Genomic context (GRCh38, chr11:17,610,584, plus strand): 5'-CCACACCCACTCCCCTCTGCACCACCCCGCCCAGCCCAGCATACCACCATGGCCACCAGG[T>A]CTCCAGCTCTGCCCCCAGAGACCCCAGCTGCCGCCAGCCTGTCAACAGCCACTGATGGGC-3'
Protein context (NP_001278992.1, residues 1752-1772): PAQHTTMATR[Ser1762Thr]PALPPETPAA